The following is an entry in ClinVar:

NM_006031.6(PCNT):c.1575G>T (p.Lys525Asn)

Gene: PCNT (pericentrin; plus strand). Cytogenetic location: 21q22.3.
Variant type: single nucleotide variant.
Coding change: c.1575G>T on transcript NM_006031.6 (MANE Select); coding-DNA position 1575, G replaced by T.
Protein change: p.Lys525Asn; replaces lysine 525 with asparagine.
Molecular consequence: missense variant.
Genome position (GRCh38, 1-based): chr21:46,353,222, G>T. VCF-style: chr21-46353222-G-T. GRCh37 (hg19) VCF-style: chr21-47773136-G-T.
Other names: c.1221G>T, p.Lys407Asn (NM_001315529.2); short protein forms K407N, K525N.
Identifiers: ClinVar variation 5000604 (VCV005000604.1).

ClinVar aggregate classification (germline): Uncertain significance (1 of 4 stars; one submission).

Conditions:
PCNT-related disorder. Also called: PCNT-related condition.

Submission:

PreventionGenetics, part of Exact Sciences
Classification: Uncertain significance for PCNT-related condition. Last evaluated: 2025-04-16. Review status: criteria provided, single submitter. Criteria: ACMG Guidelines, 2015. Collection method: clinical testing. Allele origin: germline.
Comment: The PCNT c.1575G>T variant is predicted to result in the amino acid substitution p.Lys525Asn. To our knowledge, this variant has not been reported in the literature or in a large population database (gnomAD), indicating this variant is rare. At this time, the clinical significance of this variant is uncertain due to the absence of conclusive functional and genetic evidence.